The following is an entry in ClinVar:

NM_007192.4(SUPT16H):c.1003A>C (p.Lys335Gln)

Gene: SUPT16H (SPT16 homolog, facilitates chromatin remodeling subunit; minus strand). Cytogenetic location: 14q11.2.
Variant type: single nucleotide variant.
Coding change: c.1003A>C on transcript NM_007192.4 (MANE Select); coding-DNA position 1003, A replaced by C.
Protein change: p.Lys335Gln; replaces lysine 335 with glutamine.
Molecular consequence: missense variant.
Genome position (GRCh38, 1-based): chr14:21,366,482, T>G on the plus strand (A>C on the coding strand, the complement: SUPT16H is on the minus strand). VCF-style: chr14-21366482-T-G. GRCh37 (hg19) VCF-style: chr14-21834641-T-G.
Other names: short protein forms K335Q.
Identifiers: ClinVar variation 4531469 (VCV004531469.2).

ClinVar aggregate classification (germline): Uncertain significance (1 of 4 stars; one submission).

Conditions:
Neurodevelopmental disorder with dysmorphic facies and thin corpus callosum. Identifiers: MedGen C5551361, MONDO:0859179, OMIM 619480.

Submission:

Victorian Clinical Genetics Services, Murdoch Childrens Research Institute
Classification: Uncertain significance for Neurodevelopmental disorder with dysmorphic facies and thin corpus callosum. Last evaluated: 2026-04-08. Review status: criteria provided, single submitter. Criteria: ACMG Guidelines, 2015. Collection method: clinical testing. Allele origin: germline. Affected: yes.
Comment: This variant is classified as VUS-3B. Evidence in support of pathogenic classification: Variant is present in gnomAD <0.001 for a dominant condition (v2: 1 heterozygote(s), 0 homozygote(s)). Additional information: Variant is predicted to result in a missense amino acid change from Lys to Gln; This variant is heterozygous; This gene is associated with autosomal dominant disease; This variant has no previous evidence of pathogenicity; No published evidence of segregation with disease has been identified for this variant; No published functional evidence has been identified for this variant; No comparable missense variants have previous evidence for pathogenicity; Variant is located in the annotated peptidase_M24 domain (DECIPHER); Missense variant with inconclusive in silico prediction and/or uninformative conservation; The mechanism of disease for this gene is not clearly established. Knockdown studies in Drosophila have suggested that loss of function is a mechanism of disease in this gene (PMID: 36255738); The condition associated with this gene has incomplete penetrance. Variants have been reported to be inherited from unaffected parents which could suggest incomplete penetrance (PMID: 41556401); Variants in this gene are known to have variable expressivity. Variants have been reported to be inherited from mildly affected parents (PMID: 41556401).

Literature cited by the submitters: PubMed 41556401; PubMed 36255738.